The following is an entry in ClinVar:

NM_000431.4(MVK):c.82G>T (p.Ala28Ser)

Gene: MVK (mevalonate kinase; plus strand). Cytogenetic location: 12q24.11.
Variant type: single nucleotide variant.
Coding change: c.82G>T on transcript NM_000431.4 (MANE Select); coding-DNA position 82, G replaced by T.
Protein change: p.Ala28Ser; replaces alanine 28 with serine.
Molecular consequence: missense variant. On other transcripts: 5 prime UTR variant (1), non-coding transcript variant (4).
Genome position (GRCh38, 1-based): chr12:109,576,001, G>T. VCF-style: chr12-109576001-G-T. GRCh37 (hg19) VCF-style: chr12-110013806-G-T.
Other names: c.82G>T, p.Ala28Ser (NM_001114185.3, NM_001301182.2, NM_001414511.1 and 3 more transcripts); c.-501G>T (NM_001414515.1); short protein forms A28S.
Identifiers: ClinVar variation 3572948 (VCV003572948.1).

ClinVar aggregate classification (germline): Uncertain significance (1 of 4 stars; one submission).

Conditions:
Deficiency of mevalonate kinase. Also called: Mevalonate kinase deficiency. Identifiers: Orphanet 309025, MedGen C0342731, MONDO:0017708.

Submission:

Regional Center For Medical Genetics Timis, Louis Turcanu Emergency Hospital for Children Timisoara
Classification: Uncertain significance for Mevalonate kinase deficiency. Last evaluated: 2025-01-12. Review status: criteria provided, single submitter. Criteria: ACMG Guidelines, 2015. Collection method: clinical testing. Allele origin: germline. Affected: yes. Observed: 1 variant allele.
Comment: This variant has not been previously reported in healthy population databases (gnomAD v4.1.0). In silico predictions support the pathogenicity of this variant (REVEL score = 0.898). RNA splicing predictions indicate that variant could lead to cryptic acceptor site loss (AL_DS = 0.22, SpliceAI). Therefore, this variant was classified as uncertain, according to ACMG and ClinGen classifications. (PM2_Supporting, PP3_Moderate, PM3_Supporting)